The following is an entry in ClinVar:

ClinVar aggregate classification (germline): Uncertain significance (1 of 4 stars; one submission).

Conditions:
Hereditary diffuse gastric adenocarcinoma (HDGC). Also called: DIFFUSE GASTRIC AND LOBULAR BREAST CANCER SYNDROME. Identifiers: Orphanet 26106, MedGen C1708349, MONDO:0007648, OMIM 137215.

Allele frequency attached by ClinVar (database versions not stated): gnomAD exomes below 0.00001.
gnomAD v4.1: 1 of 1,614,216 alleles (0.000062%); highest among the groups gnomAD compares: Non-Finnish European, 0.000085%; no homozygotes.

Submission:

Labcorp Genetics (formerly Invitae), Labcorp
Classification: Uncertain significance for Hereditary diffuse gastric adenocarcinoma. Last evaluated: 2024-03-12. Review status: criteria provided, single submitter. Criteria: Invitae Variant Classification Sherloc (09022015). Collection method: clinical testing. Allele origin: germline.
Comment: This sequence change falls in intron 4 of the CDH1 gene. It does not directly change the encoded amino acid sequence of the CDH1 protein. It affects a nucleotide within the consensus splice site. This variant is not present in population databases (gnomAD no frequency). This variant has not been reported in the literature in individuals affected with CDH1-related conditions. Variants that disrupt the consensus splice site are a relatively common cause of aberrant splicing (PMID: 17576681, 9536098). Algorithms developed to predict the effect of sequence changes on RNA splicing suggest that this variant is not likely to affect RNA splicing. In summary, the available evidence is currently insufficient to determine the role of this variant in disease. Therefore, it has been classified as a Variant of Uncertain Significance.

Literature cited by the submitters: PubMed 17576681; PubMed 9536098.

NM_004360.5(CDH1):c.531+5A>G

Gene: CDH1 (cadherin 1; plus strand). Cytogenetic location: 16q22.1.
Variant type: single nucleotide variant.
Coding change: c.531+5A>G on transcript NM_004360.5 (MANE Select); 5 bases into the intron after coding-DNA position 531, A replaced by G.
Molecular consequence: intron variant.
Genome position (GRCh38, 1-based): chr16:68,808,572, A>G. VCF-style: chr16-68808572-A-G. GRCh37 (hg19) VCF-style: chr16-68842475-A-G.
Other names: c.-1085+5A>G (NM_001317185.2); c.-1289+5A>G (NM_001317186.2); c.531+5A>G (NM_001317184.2).
Identifiers: ClinVar variation 2752901 (VCV002752901.3), dbSNP rs2152129852, ClinGen allele CA2576038765.